The following is an entry in ClinVar:

NM_001374736.1(DST):c.22133A>G (p.Asn7378Ser)

Gene: DST (dystonin; minus strand). Cytogenetic location: 6p12.1.
Variant type: single nucleotide variant.
Coding change: c.22133A>G on transcript NM_001374736.1 (MANE Select); coding-DNA position 22133, A replaced by G.
Protein change: p.Asn7378Ser; replaces asparagine 7378 with serine.
Molecular consequence: missense variant.
Genome position (GRCh38, 1-based): chr6:56,472,084, T>C on the plus strand (A>G on the coding strand, the complement: DST is on the minus strand). VCF-style: chr6-56472084-T-C. GRCh37 (hg19) VCF-style: chr6-56336882-T-C.
Other names: c.15776A>G, p.Asn5259Ser (NM_001144769.5); c.15362A>G, p.Asn5121Ser (NM_001144770.2); c.22133A>G, p.Asn7378Ser (NM_001374722.1); c.21173A>G, p.Asn7058Ser (NM_001374729.1); c.14915A>G, p.Asn4972Ser (NM_001374730.1); c.22160A>G, p.Asn7387Ser (NM_001374734.1); c.14264A>G, p.Asn4755Ser (NM_015548.5); c.15242A>G, p.Asn5081Ser (NM_183380.4); short protein forms N4755S, N7058S, N5121S, N5259S, N7387S, N4972S, N5081S, N7378S.
Identifiers: ClinVar variation 972154 (VCV000972154.5), dbSNP rs763569325, ClinGen allele CA3866330.

ClinVar aggregate classification (germline): Uncertain significance (1 of 4 stars; one submission).

Conditions:
Epidermolysis bullosa simplex 3, localized or generalized intermediate, with BP230 deficiency (EBS3). Also called: Epidermolysis bullosa simplex, autosomal recessive 2; Epidermolysis bullosa simplex due to BP230 deficiency. Identifiers: Orphanet 412181, MedGen C3809470, MONDO:0014180, OMIM 615425.
Hereditary sensory and autonomic neuropathy type 6. Also called: Neuropathy, hereditary sensory and autonomic, type VI; HSAN VI. Identifiers: Orphanet 314381, MedGen C3539003, MONDO:0013839, OMIM 614653.

Allele frequency attached by ClinVar (database versions not stated): gnomAD 0.00001; ExAC 0.00002; gnomAD exomes 0.00002; TOPMed 0.00003.
gnomAD v4.1: 56 of 1,613,832 alleles (0.0035%); highest among the groups gnomAD compares: Admixed American, 0.005%; no homozygotes.

Submission:

Labcorp Genetics (formerly Invitae), Labcorp
Classification: Uncertain significance for Epidermolysis bullosa simplex 3, localized or generalized intermediate, with BP230 deficiency; Hereditary sensory and autonomic neuropathy type 6. Last evaluated: 2022-05-05. Review status: criteria provided, single submitter. Criteria: Invitae Variant Classification Sherloc (09022015). Collection method: clinical testing. Allele origin: germline.
Comment: The DST gene has multiple clinically relevant transcripts. This variant occurs in alternate transcript NM_015548.4, and corresponds to NM_001723.5:c.*143433A>G in the primary transcript. This sequence change replaces asparagine, which is neutral and polar, with serine, which is neutral and polar, at codon 4755 of the DST protein (p.Asn4755Ser). This variant is present in population databases (rs763569325, gnomAD 0.006%). This variant has not been reported in the literature in individuals affected with DST-related conditions. ClinVar contains an entry for this variant (Variation ID: 972154). Experimental studies and prediction algorithms are not available or were not evaluated, and the functional significance of this variant is currently unknown. In summary, the available evidence is currently insufficient to determine the role of this variant in disease. Therefore, it has been classified as a Variant of Uncertain Significance.